The following is an entry in ClinVar:

NM_017635.5(KMT5B):c.1166_1174+1dup

Gene: KMT5B (lysine methyltransferase 5B; minus strand). Cytogenetic location: 11q13.2.
Variant type: Duplication.
Coding change: c.1166_1174+1dup on transcript NM_017635.5 (MANE Select); coding-DNA position 1166 through the canonical splice donor site of the intron after coding-DNA position 1174, 10 bases duplicated (ACAATGCAAG; older notation c.1166_1174+1dupACAATGCAAG).
Molecular consequence: splice donor variant. On other transcripts: frameshift variant (5), non-coding transcript variant (3).
Genome position (GRCh38, 1-based): chr11:68,166,981-68,166,990, CTTGCATTGT duplicated on the plus strand (ACAATGCAAG on the coding strand, the reverse complement: KMT5B is on the minus strand). VCF-style (leftmost placement, unchanged base first): chr11-68166980-A-ACTTGCATTGT. GRCh37 (hg19) VCF-style: chr11-67934447-A-ACTTGCATTGT.
Other names: c.1097_1106dup, p.Ser369fs (NM_001300909.2); c.650_659dup, p.Ser220fs (NM_001369424.1); c.953_962dup, p.Ser321fs (NM_001369425.1); c.1166_1175dup, p.Ser392fs (NM_001369427.1, NM_016028.4); c.650_658+1dup (NM_001369430.1, NM_001369432.1, NM_001369428.1 and 4 more transcripts); c.446_454+1dup (NM_001300908.2); c.1166_1174+1dup (NM_001369426.1, NM_001363566.2); short protein forms S220fs, S321fs, S369fs, S392fs.
Identifiers: ClinVar variation 4532172 (VCV004532172.1).

ClinVar aggregate classification (germline): Likely pathogenic (1 of 4 stars; one submission).

Conditions:
Intellectual developmental disorder, autosomal dominant 51. Also called: MENTAL RETARDATION, AUTOSOMAL DOMINANT 51; Intellectual disability, autosomal dominant 51. Identifiers: Orphanet 684226, MedGen C4540474, MONDO:0030917, OMIM 617788.

Submission:

Victorian Clinical Genetics Services, Murdoch Childrens Research Institute
Classification: Likely pathogenic for Intellectual developmental disorder, autosomal dominant 51. Last evaluated: 2024-12-12. Review status: criteria provided, single submitter. Criteria: ACMG Guidelines, 2015. Collection method: clinical testing. Allele origin: germline. Affected: yes.
Comment: This variant is classified as Likely pathogenic. Evidence in support of pathogenic classification: Variant is predicted to result in a truncated protein (premature termination codon (PTC) is NOT located at least 54 nucleotides upstream of the final exon-exon junction) with at least 1/3 of the protein sequence affected. This variant duplicates ten nucleotides, shifting the canonical splice site and extending the exon. This out of frame duplication induces a frameshift that is predicted to result in a PTC; Variant is absent from gnomAD (v2, v3 and v4); Other protein truncating variant(s) comparable to the one identified in this case have very strong previous evidence for pathogenicity (DECIPHER); Abnormal splicing is predicted by in silico tool and affected nucleotide is highly conserved. Additional information: This variant is heterozygous; This gene is associated with autosomal dominant disease; This variant has no previous evidence of pathogenicity; No published segregation evidence has been identified for this variant; No published functional evidence has been identified for this variant; Loss of function is a known mechanism of disease in this gene and is associated with autosomal dominant intellectual developmental disorder, 51 (MIM#617788); Variants in this gene are known to have variable expressivity (PMID: 35433545); Inheritance information for this variant is not currently available in this individual.

Literature cited by the submitters: PubMed 35433545.